The following is an entry in ClinVar:

NM_005045.4(RELN):c.7267C>A (p.Arg2423Ser)

Gene: RELN (reelin; minus strand). Cytogenetic location: 7q22.1.
Variant type: single nucleotide variant.
Coding change: c.7267C>A on transcript NM_005045.4 (MANE Select); coding-DNA position 7267, C replaced by A.
Protein change: p.Arg2423Ser; replaces arginine 2423 with serine.
Molecular consequence: missense variant.
Genome position (GRCh38, 1-based): chr7:103,535,398, G>T on the plus strand (C>A on the coding strand, the complement: RELN is on the minus strand). VCF-style: chr7-103535398-G-T. GRCh37 (hg19) VCF-style: chr7-103175845-G-T.
Other names: c.7267C>A, p.Arg2423Ser (NM_173054.3); short protein forms R2423S.
Identifiers: ClinVar variation 2016283 (VCV002016283.4), dbSNP rs1165686675, ClinGen allele CA368768765.

ClinVar aggregate classification (germline): Uncertain significance (1 of 4 stars; one submission).

Conditions:
Norman-Roberts syndrome (LIS2). Also called: Lissencephaly 2 (Norman-Roberts type). Identifiers: Orphanet 89844, MedGen C0796089, MONDO:0009760, OMIM 257320.
Familial temporal lobe epilepsy 7. Identifiers: Orphanet 101046, MedGen C4225327, MONDO:0014639, OMIM 616436.

Submission:

Labcorp Genetics (formerly Invitae), Labcorp
Classification: Uncertain significance for Familial temporal lobe epilepsy 7; Norman-Roberts syndrome. Last evaluated: 2022-07-23. Review status: criteria provided, single submitter. Criteria: Invitae Variant Classification Sherloc (09022015). Collection method: clinical testing. Allele origin: germline.
Comment: In summary, the available evidence is currently insufficient to determine the role of this variant in disease. Therefore, it has been classified as a Variant of Uncertain Significance. Algorithms developed to predict the effect of missense changes on protein structure and function (SIFT, PolyPhen-2, Align-GVGD) all suggest that this variant is likely to be tolerated. This variant has not been reported in the literature in individuals affected with RELN-related conditions. This variant is not present in population databases (gnomAD no frequency). This sequence change replaces arginine, which is basic and polar, with serine, which is neutral and polar, at codon 2423 of the RELN protein (p.Arg2423Ser).